The following is an entry in ClinVar:

ClinVar aggregate classification (germline): Uncertain significance. Review status: criteria provided, multiple submitters, no conflicts (2 of 4 stars). 3 submissions from 3 submitters: Uncertain significance (3). Last evaluated 2025-04-16.

Conditions:
Inborn genetic diseases. Identifiers: MedGen C0950123, MeSH D030342.
Charcot-Marie-Tooth disease type 2. Also called: Charcot-Marie-Tooth type 2. Identifiers: Orphanet 64746, MedGen C0270914, MONDO:0018993.

Allele frequency attached by ClinVar (database versions not stated): ESP Exome Variant Server 0.00008; gnomAD exomes 0.00001; TOPMed 0.00001.
gnomAD v4.1: 8 of 1,614,142 alleles (0.0005%); highest among the groups gnomAD compares: Non-Finnish European, 0.00059%; no homozygotes.

Submissions (3):

GeneDx
Classification: Uncertain significance. Last evaluated: 2025-04-16. Review status: criteria provided, single submitter. Criteria: GeneDx Variant Classification Process June 2021. Collection method: clinical testing. Allele origin: germline. Affected: yes.
Comment: Not observed at significant frequency in large population cohorts (gnomAD); In silico analysis indicates that this missense variant does not alter protein structure/function; Has not been previously published as pathogenic or benign to our knowledge

Labcorp Genetics (formerly Invitae), Labcorp
Classification: Uncertain significance for Charcot-Marie-Tooth disease type 2. Last evaluated: 2022-09-06. Review status: criteria provided, single submitter. Criteria: Invitae Variant Classification Sherloc (09022015). Collection method: clinical testing. Allele origin: germline.
Comment: This sequence change replaces aspartic acid, which is acidic and polar, with asparagine, which is neutral and polar, at codon 447 of the MFN2 protein (p.Asp447Asn). This variant is not present in population databases (gnomAD no frequency). This variant has not been reported in the literature in individuals affected with MFN2-related conditions. ClinVar contains an entry for this variant (Variation ID: 246483). Advanced modeling of protein sequence and biophysical properties (such as structural, functional, and spatial information, amino acid conservation, physicochemical variation, residue mobility, and thermodynamic stability) performed at Invitae indicates that this missense variant is not expected to disrupt MFN2 protein function. In summary, the available evidence is currently insufficient to determine the role of this variant in disease. Therefore, it has been classified as a Variant of Uncertain Significance.

Ambry Genetics
Classification: Uncertain significance for Inborn genetic diseases. Last evaluated: 2021-11-09. Review status: criteria provided, single submitter. Criteria: Ambry Variant Classification Scheme 2023. Collection method: clinical testing. Allele origin: germline.
Comment: The p.D447N variant (also known as c.1339G>A), located in coding exon 11 of the MFN2 gene, results from a G to A substitution at nucleotide position 1339. The aspartic acid at codon 447 is replaced by asparagine, an amino acid with highly similar properties. This amino acid position is conserved. In addition, this alteration is predicted to be tolerated by in silico analysis. Since supporting evidence is limited at this time, the clinical significance of this alteration remains unclear.

NM_014874.4(MFN2):c.1339G>A (p.Asp447Asn)

Gene: MFN2 (mitofusin 2; plus strand). Cytogenetic location: 1p36.22.
Variant type: single nucleotide variant.
Coding change: c.1339G>A on transcript NM_014874.4 (MANE Select); coding-DNA position 1339, G replaced by A.
Protein change: p.Asp447Asn; replaces aspartic acid 447 with asparagine.
Molecular consequence: missense variant.
Genome position (GRCh38, 1-based): chr1:12,004,560, G>A. VCF-style: chr1-12004560-G-A. GRCh37 (hg19) VCF-style: chr1-12064617-G-A.
Other names: c.1339G>A, p.Asp447Asn (NM_001127660.2); short protein forms D447N.
Identifiers: ClinVar variation 246483 (VCV000246483.14), dbSNP rs368032696, ClinGen allele CA10584105.